The following is an entry in ClinVar:

ClinVar aggregate classification (germline): Uncertain significance (1 of 4 stars; one submission).

Allele frequency attached by ClinVar (database versions not stated): TOPMed 0.00001; gnomAD 0.00002; gnomAD exomes 0.00003.
gnomAD v4.1: 44 of 1,604,688 alleles (0.0027%); highest among the groups gnomAD compares: Non-Finnish European, 0.0037%; no homozygotes.

Submission:

Labcorp Genetics (formerly Invitae), Labcorp
Classification: Uncertain significance. Last evaluated: 2022-06-26. Review status: criteria provided, single submitter. Criteria: Invitae Variant Classification Sherloc (09022015). Collection method: clinical testing. Allele origin: germline.
Comment: This variant is not present in population databases (gnomAD no frequency). In summary, the available evidence is currently insufficient to determine the role of this variant in disease. Therefore, it has been classified as a Variant of Uncertain Significance. Algorithms developed to predict the effect of missense changes on protein structure and function (SIFT, PolyPhen-2, Align-GVGD) all suggest that this variant is likely to be tolerated. This variant has not been reported in the literature in individuals affected with MME-related conditions. This sequence change replaces alanine, which is neutral and non-polar, with valine, which is neutral and non-polar, at codon 286 of the MME protein (p.Ala286Val).

NM_007289.4(MME):c.857C>T (p.Ala286Val)

Gene: MME (membrane metalloendopeptidase; plus strand). Cytogenetic location: 3q25.2.
Variant type: single nucleotide variant.
Coding change: c.857C>T on transcript NM_007289.4 (MANE Select); coding-DNA position 857, C replaced by T.
Protein change: p.Ala286Val; replaces alanine 286 with valine.
Molecular consequence: missense variant.
Genome position (GRCh38, 1-based): chr3:155,140,192, C>T. VCF-style: chr3-155140192-C-T. GRCh37 (hg19) VCF-style: chr3-154857981-C-T.
Other names: c.857C>T, p.Ala286Val (NM_000902.5, NM_001354642.2, NM_001354643.1 and 2 more transcripts); short protein forms A286V.
Identifiers: ClinVar variation 1470494 (VCV001470494.8), dbSNP rs1208709767, ClinGen allele CA355129486.